The following is an entry in ClinVar:

ClinVar aggregate classification (germline): Pathogenic/Likely pathogenic. Review status: criteria provided, multiple submitters, no conflicts (2 of 4 stars). 5 submissions from 5 submitters: Pathogenic (2); Likely pathogenic (3). Last evaluated 2025-04-17.

Conditions:
Mucopolysaccharidosis type 1. Also called: IDUA deficiency; MPS I; Mucopolysaccharidosis Type I. Identifiers: Orphanet 579, MedGen C0023786, MONDO:0001586.
Mucopolysaccharidosis, MPS-I-S. Also called: Scheie Syndrome; MUCOPOLYSACCHARIDOSIS TYPE IS; MPS V; MUCOPOLYSACCHARIDOSIS TYPE V. Identifiers: Orphanet 93474, MedGen C0026708, MONDO:0011760, OMIM 607016.
Hurler syndrome. Also called: Gargoylism, Hurler Syndrome; MUCOPOLYSACCHARIDOSIS TYPE IH; Severe MPS I (Hurler Syndrome). Identifiers: Orphanet 93473, MedGen C0086795, MONDO:0011758, OMIM 607014.
Mucopolysaccharidosis, MPS-I-H/S. Also called: Mucopolysaccharidosis type IH/S. Identifiers: Orphanet 93476, MedGen C0086431, MONDO:0011759, OMIM 607015.

Allele frequency attached by ClinVar (database versions not stated): TOPMed 0.00006.
gnomAD v4.1: 16 of 1,458,258 alleles (0.0011%); highest among the groups gnomAD compares: Non-Finnish European, 0.0014%; no homozygotes.

Submissions (5):

Natera, Inc.
Classification: Likely pathogenic for Mucopolysaccharidosis type I. Last evaluated: 2025-04-17. Review status: criteria provided, single submitter. Criteria: Natera Variant Classification Schema (03/2026). Collection method: clinical testing. Allele origin: germline.
Comment: The c.1269C>A variant in IDUA is a missense variant predicted to cause substitution of serine to arginine at amino acid 423. This variant is rare in the general population with a frequency below the threshold expected for the associated phenotype(s). This variant has been observed in one or more individuals affected with the associated recessive disease, as either homozygous or compound heterozygous with a second variant (PMID: 31194252, 37516270, 15300847). Functional studies show that this variant may disrupt protein function (PMID: 15300847). Computational prediction algorithms indicate this variant is likely to affect gene or protein function. Given the available evidence, this variant is classified as Likely Pathogenic.

Fulgent Genetics
Classification: Pathogenic for Hurler syndrome; Mucopolysaccharidosis, MPS-I-H/S; Mucopolysaccharidosis, MPS-I-S. Last evaluated: 2024-06-06. Review status: criteria provided, single submitter. Criteria: ACMG Guidelines, 2015. Collection method: clinical testing. Allele origin: germline.

Labcorp Genetics (formerly Invitae), Labcorp
Classification: Pathogenic for Mucopolysaccharidosis type 1. Last evaluated: 2023-11-06. Review status: criteria provided, single submitter. Criteria: Invitae Variant Classification Sherloc (09022015). Collection method: clinical testing. Allele origin: germline.
Comment: This sequence change replaces serine, which is neutral and polar, with arginine, which is basic and polar, at codon 423 of the IDUA protein (p.Ser423Arg). The frequency data for this variant in the population databases is considered unreliable, as metrics indicate poor data quality at this position in the gnomAD database. This missense change has been observed in individual(s) with mucopolysaccharidosis type I (PMID: 15300847, 21394825, 31194252). In at least one individual the data is consistent with being in trans (on the opposite chromosome) from a pathogenic variant. ClinVar contains an entry for this variant (Variation ID: 856833). Advanced modeling of protein sequence and biophysical properties (such as structural, functional, and spatial information, amino acid conservation, physicochemical variation, residue mobility, and thermodynamic stability) has been performed at Invitae for this missense variant, however the output from this modeling did not meet the statistical confidence thresholds required to predict the impact of this variant on IDUA protein function. Experimental studies have shown that this missense change affects IDUA function (PMID: 15300847). For these reasons, this variant has been classified as Pathogenic.

Women's Health and Genetics/Laboratory Corporation of America, LabCorp
Classification: Likely pathogenic for Mucopolysaccharidosis type 1. Last evaluated: 2022-03-10. Review status: criteria provided, single submitter. Criteria: LabCorp Variant Classification Summary - May 2015. Collection method: clinical testing. Allele origin: germline.
Comment: Variant summary: IDUA c.1269C>A (p.Ser423Arg) results in a non-conservative amino acid change in the encoded protein sequence. Five of five in-silico tools predict a damaging effect of the variant on protein function. The variant allele was found at a frequency of 2.8e-05 in 71888 control chromosomes (gnomAD). The variant c.1269C>A has been reported in the literature in homozygous state in an individual affected with Mucopolysaccharidosis Type 1 (Bertola_2011), who had a diagnosis confirmed biochemically by demonstrating a defect of IDUA activity, however this patient was also noted to carry another missense variant (c.562T>C/p.Phe188Leu) in homozygous state. An equivalent protein level variant (c.1269C>G (p.S423R)) has been also reported in an affected compound heterozygous patient (Yogalingam_2004), and the variant, p.S423R (described only at the protein level) was also found in an independent compound heterozygous patient (Clarke_2019). At least one publication reported experimental evidence evaluating an impact on protein function, and demonstrated a severely reduced protein level and enzyme activity for the Ser423Arg variant protein expressed in mammalian cells (Yogalingam_2004). Two clinical diagnostic laboratories have submitted clinical-significance assessments for this variant to ClinVar after 2014, and both laboratories classified the variant as pathogenic/likely pathogenic. Based on the evidence outlined above, the variant was classified as likely pathogenic.

Revvity Omics, Revvity
Classification: Likely pathogenic. Last evaluated: 2021-07-29. Review status: criteria provided, single submitter. Criteria: ACMG Guidelines, 2015. Collection method: clinical testing. Allele origin: germline.

Literature cited by the submitters: PubMed 31194252 (cited by 3 submitters); PubMed 37516270 (cited by Natera, Inc.); PubMed 15300847 (cited by 3 submitters); PubMed 21394825 (cited by Labcorp Genetics (formerly Invitae), Labcorp and Women's Health and Genetics/Laboratory Corporation of America, LabCorp); PubMed 28676128 (cited by Women's Health and Genetics/Laboratory Corporation of America, LabCorp); PubMed 32188113 (cited by Women's Health and Genetics/Laboratory Corporation of America, LabCorp).

NM_000203.5(IDUA):c.1269C>A (p.Ser423Arg)

Gene: IDUA (alpha-L-iduronidase; plus strand). Cytogenetic location: 4p16.3.
Variant type: single nucleotide variant.
Coding change: c.1269C>A on transcript NM_000203.5 (MANE Select); coding-DNA position 1269, C replaced by A.
Protein change: p.Ser423Arg; replaces serine 423 with arginine.
Molecular consequence: missense variant. On other transcripts: non-coding transcript variant (1).
Genome position (GRCh38, 1-based): chr4:1,002,811, C>A. VCF-style: chr4-1002811-C-A. GRCh37 (hg19) VCF-style: chr4-996599-C-A.
Other names: c.873C>A, p.Ser291Arg (NM_001363576.1); short protein forms S423R, S291R.
Identifiers: ClinVar variation 856833 (VCV000856833.15), dbSNP rs931627770, ClinGen allele CA91169964.
Genomic context (GRCh38, chr4:1,002,811, plus strand): 5'-CGAAGTGTCGCAGGCCGGGACCGTCCTGGACAGCAACCACACGGTGGGCGTCCTGGCCAG[C>A]GCCCACCGCCCCCAGGGCCCGGCCGACGCCTGGCGCGCCGCGGTGCTGATCTACGCGAGC-3'
Protein context (NP_000194.2, residues 413-433): DSNHTVGVLA[Ser423Arg]AHRPQGPADA